The following is an entry in ClinVar:

ClinVar aggregate classification (germline): Likely benign (0 of 4 stars; one submission).

Conditions:
MUC1-related disorder. Also called: MUC1-related condition.

Allele frequency attached by ClinVar (database versions not stated): ExAC 0.00006; TOPMed 0.00006; gnomAD 0.00007; gnomAD exomes 0.00010; 1000 Genomes Project 30x 0.00016; 1000 Genomes Project 0.00020.

Submission:

PreventionGenetics, part of Exact Sciences
Classification: Likely benign for MUC1-related condition. Last evaluated: 2020-02-24. Review status: no assertion criteria provided. Collection method: clinical testing. Allele origin: germline.
Comment: This variant is classified as likely benign based on ACMG/AMP sequence variant interpretation guidelines (Richards et al. 2015 PMID: 25741868, with internal and published modifications).

NM_002456.6(MUC1):c.459G>A (p.Thr153=)

Gene: MUC1 (mucin 1, cell surface associated; minus strand). Cytogenetic location: 1q22.
Variant type: single nucleotide variant.
Coding change: c.459G>A on transcript NM_002456.6; coding-DNA position 459, G replaced by A.
Protein change: p.Thr153=; no amino-acid change (threonine 153 retained).
Molecular consequence: synonymous variant. On other transcripts: intron variant (7).
Genome position (GRCh38, 1-based): chr1:155,187,738, C>T on the plus strand (G>A on the coding strand, the complement: MUC1 is on the minus strand). VCF-style: chr1-155187738-C-T. GRCh37 (hg19) VCF-style: chr1-155160214-C-T.
Other names: c.432G>A, p.Thr144= (NM_001018016.3, NM_001204288.2); c.405G>A, p.Thr135= (NM_001018017.3); c.1065G>A, p.Thr355= (NM_001204285.2); c.1092G>A, p.Thr364= (NM_001204286.1); c.486G>A, p.Thr162= (NM_001204287.2); c.354G>A, p.Thr118= (NM_001204289.2); c.291G>A, p.Thr97= (NM_001204290.2); c.363G>A, p.Thr121= (NM_001204291.1); and 11 more.
Identifiers: ClinVar variation 3052067 (VCV003052067.2), dbSNP rs201798179, ClinGen allele CA1139402.